The following is an entry in ClinVar:

ClinVar aggregate classification (germline): Uncertain significance (1 of 4 stars; one submission).

Conditions:
Familial focal epilepsy with variable foci (FPEVF). Identifiers: Orphanet 98820, MedGen C1858477, MONDO:0020310.

Allele frequency attached by ClinVar (database versions not stated): gnomAD exomes below 0.00001; TOPMed 0.00001.
gnomAD v4.1: 4 of 1,613,664 alleles (0.00025%); highest among the groups gnomAD compares: Non-Finnish European, 0.00017%; no homozygotes.

Submission:

Labcorp Genetics (formerly Invitae), Labcorp
Classification: Uncertain significance for Familial focal epilepsy with variable foci. Last evaluated: 2024-08-11. Review status: criteria provided, single submitter. Criteria: Invitae Variant Classification Sherloc (09022015). Collection method: clinical testing. Allele origin: germline.
Comment: This sequence change replaces arginine, which is basic and polar, with histidine, which is basic and polar, at codon 111 of the DEPDC5 protein (p.Arg111His). This variant is not present in population databases (gnomAD no frequency). This variant has not been reported in the literature in individuals affected with DEPDC5-related conditions. ClinVar contains an entry for this variant (Variation ID: 238680). Experimental studies and prediction algorithms are not available or were not evaluated, and the functional significance of this variant is currently unknown. In summary, the available evidence is currently insufficient to determine the role of this variant in disease. Therefore, it has been classified as a Variant of Uncertain Significance.

NM_001242896.3(DEPDC5):c.332G>A (p.Arg111His)

Gene: DEPDC5 (DEP domain containing 5, GATOR1 subcomplex subunit; plus strand). Cytogenetic location: 22q12.2.
Variant type: single nucleotide variant.
Coding change: c.332G>A on transcript NM_001242896.3 (MANE Select); coding-DNA position 332, G replaced by A.
Protein change: p.Arg111His; replaces arginine 111 with histidine.
Molecular consequence: missense variant. On other transcripts: non-coding transcript variant (5), intron variant (2).
Genome position (GRCh38, 1-based): chr22:31,766,637, G>A. VCF-style: chr22-31766637-G-A. GRCh37 (hg19) VCF-style: chr22-32162623-G-A.
Other names: c.332G>A, p.Arg111His (NM_001007188.4, NM_001136029.4, NM_001242897.2 and 7 more transcripts); c.279+1577G>A (NM_001369902.1, NM_001369901.1); short protein forms R111H.
Identifiers: ClinVar variation 238680 (VCV000238680.10), dbSNP rs878854279, ClinGen allele CA10583926.